The following is an entry in ClinVar:

ClinVar aggregate classification (germline): Uncertain significance. Review status: criteria provided, multiple submitters, no conflicts (2 of 4 stars). 2 submissions from 2 submitters: Uncertain significance (2). Last evaluated 2025-03-25.

Conditions:
Synpolydactyly type 2. Also called: SYNPOLYDACTYLY, 3/3-PRIME/4, ASSOCIATED WITH METACARPAL AND METATARSAL SYNOSTOSES. Identifiers: Orphanet 295197, Orphanet 93403, MedGen C1842422, MONDO:0011984, OMIM 608180.

gnomAD v4.1: 22 of 1,613,976 alleles (0.0014%); highest among the groups gnomAD compares: East Asian, 0.0045%; no homozygotes.

Submissions (2):

Ambry Genetics
Classification: Uncertain significance. Last evaluated: 2025-03-25. Review status: criteria provided, single submitter. Criteria: Ambry Variant Classification Scheme 2023. Collection method: clinical testing. Allele origin: germline.

Victorian Clinical Genetics Services, Murdoch Childrens Research Institute
Classification: Uncertain significance for Synpolydactyly type 2. Last evaluated: 2019-08-28. Review status: criteria provided, single submitter. Criteria: ACMG Guidelines, 2015. Collection method: clinical testing. Allele origin: germline. Affected: yes.
Comment: A heterozygous missense variant, NM_006486.2(FBLN1):c.1949G>A, has been identified in exon 16 of 17 of the FBLN1 gene. The variant is predicted to result in a minor amino acid change from arginine to histidine at position 650 of the protein (NP_006477.2(FBLN1):p.(Arg650His). The arginine residue at this position has low conservation (100 vertebrates, UCSC), but is not located within a well established functional domain. In silico predictions of pathogenicity for this variant are conflicting (Polyphen, SIFT, CADD, Mutation Taster). The variant is present in the gnomAD database at a frequency of 0.0011% (3 heterozygotes). This variant has not been previously reported in clinical cases. Based on the information available at the time of curation, this variant has been classified as a VARIANT of UNCERTAIN SIGNIFICANCE (VUS) with LOW CLINICAL RELEVANCE.

NM_006486.3(FBLN1):c.1949G>A (p.Arg650His)

Gene: FBLN1 (fibulin 1; plus strand). Cytogenetic location: 22q13.31.
Variant type: single nucleotide variant.
Coding change: c.1949G>A on transcript NM_006486.3 (MANE Select); coding-DNA position 1949, G replaced by A.
Protein change: p.Arg650His; replaces arginine 650 with histidine.
Molecular consequence: missense variant.
Genome position (GRCh38, 1-based): chr22:45,577,085, G>A. VCF-style: chr22-45577085-G-A. GRCh37 (hg19) VCF-style: chr22-45972965-G-A.
Other names: short protein forms R650H.
Identifiers: ClinVar variation 3376571 (VCV003376571.2).
Genomic context (GRCh38, chr22:45,577,085, plus strand): 5'-CTAACATCATCTTCGACATCACGGAAGGGAACCTGCGGGACTCTTTTGACATCATCAAGC[G>A]TTACATGGACGGCATGACCGTGGGTGAGTGGCTGGGAATATCAGCTCTATCCAGGCACCC-3'
Protein context (NP_006477.3, residues 640-660): NLRDSFDIIK[Arg650His]YMDGMTVGVV